The following is an entry in ClinVar:

ClinVar aggregate classification (germline): Uncertain significance. Review status: criteria provided, multiple submitters, no conflicts (2 of 4 stars). 2 submissions from 2 submitters: Uncertain significance (2). Last evaluated 2025-08-21.

Conditions:
Inborn genetic diseases. Identifiers: MedGen C0950123, MeSH D030342.

gnomAD v4.1: 4 of 1,612,400 alleles (0.00025%); highest among the groups gnomAD compares: East Asian, 0.0022%; no homozygotes.

Submissions (2):

Ambry Genetics
Classification: Uncertain significance for Inborn genetic diseases. Last evaluated: 2025-08-21. Review status: criteria provided, single submitter. Criteria: Ambry Variant Classification Scheme 2023. Collection method: clinical testing. Allele origin: germline.

Labcorp Genetics (formerly Invitae), Labcorp
Classification: Uncertain significance. Last evaluated: 2024-04-10. Review status: criteria provided, single submitter. Criteria: Invitae Variant Classification Sherloc (09022015). Collection method: clinical testing. Allele origin: germline.
Comment: This sequence change replaces isoleucine, which is neutral and non-polar, with valine, which is neutral and non-polar, at codon 1651 of the FOCAD protein (p.Ile1651Val). This variant is present in population databases (no rsID available, gnomAD 0.006%). This variant has not been reported in the literature in individuals affected with FOCAD-related conditions. Experimental studies and prediction algorithms are not available or were not evaluated, and the functional significance of this variant is currently unknown. In summary, the available evidence is currently insufficient to determine the role of this variant in disease. Therefore, it has been classified as a Variant of Uncertain Significance.

NM_001375567.1(FOCAD):c.4951A>G (p.Ile1651Val)

Gene: FOCAD (focadhesin; plus strand). Cytogenetic location: 9p21.3.
Variant type: single nucleotide variant.
Coding change: c.4951A>G on transcript NM_001375567.1 (MANE Select); coding-DNA position 4951, A replaced by G.
Protein change: p.Ile1651Val; replaces isoleucine 1651 with valine.
Molecular consequence: missense variant.
Genome position (GRCh38, 1-based): chr9:20,988,376, A>G. VCF-style: chr9-20988376-A-G. GRCh37 (hg19) VCF-style: chr9-20988375-A-G.
Other names: c.4951A>G (NM_017794.3); c.4846A>G, p.Ile1616Val (NM_001375568.1, NM_001375570.1); c.4951A>G, p.Ile1651Val (NM_017794.5); short protein forms I1616V, I1651V.
Identifiers: ClinVar variation 3716219 (VCV003716219.3).